The following is an entry in ClinVar:

ClinVar aggregate classification (germline): Uncertain significance. Review status: criteria provided, multiple submitters, no conflicts (2 of 4 stars). 2 submissions from 2 submitters: Uncertain significance (2). Last evaluated 2025-02-28.

Conditions:
Inborn genetic diseases. Identifiers: MedGen C0950123, MeSH D030342.

Allele frequency attached by ClinVar (database versions not stated): TOPMed 0.00001; gnomAD 0.00002.
gnomAD v4.1: 19 of 1,613,950 alleles (0.0012%); highest among the groups gnomAD compares: Middle Eastern, 0.016%; no homozygotes.

Submissions (2):

Labcorp Genetics (formerly Invitae), Labcorp
Classification: Uncertain significance. Last evaluated: 2025-02-28. Review status: criteria provided, single submitter. Criteria: Invitae Variant Classification Sherloc (09022015). Collection method: clinical testing. Allele origin: germline.
Comment: This sequence change replaces arginine, which is basic and polar, with histidine, which is basic and polar, at codon 559 of the IMPDH1 protein (p.Arg559His). This variant is present in population databases (rs754158159, gnomAD 0.007%). This variant has not been reported in the literature in individuals affected with IMPDH1-related conditions. ClinVar contains an entry for this variant (Variation ID: 3109566). An algorithm developed to predict the effect of missense changes on protein structure and function (PolyPhen-2) suggests that this variant is likely to be tolerated. In summary, the available evidence is currently insufficient to determine the role of this variant in disease. Therefore, it has been classified as a Variant of Uncertain Significance.

Ambry Genetics
Classification: Uncertain significance for Inborn genetic diseases. Last evaluated: 2023-12-17. Review status: criteria provided, single submitter. Criteria: Ambry Variant Classification Scheme 2023. Collection method: clinical testing. Allele origin: germline.

NM_000883.4(IMPDH1):c.1676G>A (p.Arg559His)

Gene: IMPDH1 (inosine monophosphate dehydrogenase 1; minus strand). Cytogenetic location: 7q32.1.
Variant type: single nucleotide variant.
Coding change: c.1676G>A on transcript NM_000883.4 (MANE Select); coding-DNA position 1676, G replaced by A.
Protein change: p.Arg559His; replaces arginine 559 with histidine.
Molecular consequence: missense variant.
Genome position (GRCh38, 1-based): chr7:128,394,474, C>T on the plus strand (G>A on the coding strand, the complement: IMPDH1 is on the minus strand). VCF-style: chr7-128394474-C-T. GRCh37 (hg19) VCF-style: chr7-128034528-C-T.
Other names: c.1646G>A, p.Arg549His (NM_001102605.2); c.1421G>A, p.Arg474His (NM_001142573.2); c.1406G>A, p.Arg469His (NM_001142574.2); c.1346G>A, p.Arg449His (NM_001142575.2); c.1577G>A, p.Arg526His (NM_001142576.2); c.1469G>A, p.Arg490His (NM_001304521.2); c.1568G>A, p.Arg523His (NM_183243.3); short protein forms R449H, R526H, R559H, R490H, R523H, R469H, R474H, R549H.
Identifiers: ClinVar variation 3109566 (VCV003109566.2), dbSNP rs754158159, ClinGen allele CA4470757.
Genomic context (GRCh38, chr7:128,394,474, plus strand): 5'-GAGAGAAAGGAAGCAGGAGCCACCCCCAGTCTCAGCACTCACCGAAGGACAGACAGGCTG[C>T]GGGCCCCGATATCCTGGCAGCCGTGTTGGATGCCTGCTATGAGGTAGGGCACGAACTTCT-3'
Protein context (NP_000874.2, residues 549-569): IQHGCQDIGA[Arg559His]SLSVLRSMMY